The following is an entry in ClinVar:

NM_024301.5(FKRP):c.1136G>A (p.Arg379Gln)

Gene: FKRP (fukutin related protein; plus strand). Cytogenetic location: 19q13.32.
Variant type: single nucleotide variant.
Coding change: c.1136G>A on transcript NM_024301.5 (MANE Select); coding-DNA position 1136, G replaced by A.
Protein change: p.Arg379Gln; replaces arginine 379 with glutamine.
Molecular consequence: missense variant.
Genome position (GRCh38, 1-based): chr19:46,756,586, G>A. VCF-style: chr19-46756586-G-A. GRCh37 (hg19) VCF-style: chr19-47259843-G-A.
Other names: c.1136G>A, p.Arg379Gln (NM_001039885.3); short protein forms R379Q.
Identifiers: ClinVar variation 598298 (VCV000598298.17), dbSNP rs140217866, ClinGen allele CA9532251.

ClinVar aggregate classification (germline): Uncertain significance. Review status: criteria provided, multiple submitters, no conflicts (2 of 4 stars). 7 submissions from 7 submitters: Uncertain significance (6). 1 of the submissions does not count toward it. Last evaluated 2024-10-08.

Conditions:
Cardiovascular phenotype. Identifiers: MedGen CN230736.
Walker-Warburg congenital muscular dystrophy. Also called: Muscular dystrophy-dystroglycanopathy, type A; Walker-Warburg syndrome. Identifiers: Orphanet 899, MedGen C0265221, MONDO:0000171.
Muscular dystrophy-dystroglycanopathy (congenital with brain and eye anomalies), type A1 (MDDGA1). Also called: COD-MD SYNDROME; WALKER-WARBURG SYNDROME OR MUSCLE-EYE-BRAIN DISEASE, POMT1-RELATED; Hydrocephalus, agyria and retinal dysplasia; Hard +/- E syndrome; Warburg syndrome; Chemke syndrome. Identifiers: Orphanet 588, Orphanet 899, MedGen C4284790, MONDO:0009364, OMIM 236670.
Muscular dystrophy-dystroglycanopathy type B5 (MDDGB5). Also called: MUSCULAR DYSTROPHY, CONGENITAL, 1C; MUSCULAR DYSTROPHY, CONGENITAL, FKRP-RELATED; MUSCULAR DYSTROPHY-DYSTROGLYCANOPATHY (CONGENITAL WITH OR WITHOUT IMPAIRED INTELLECTUAL DEVELOPMENT), TYPE B, 5. Identifiers: MedGen C1847759, MONDO:0011688, OMIM 606612.
Autosomal recessive limb-girdle muscular dystrophy type 2I. Also called: MUSCULAR DYSTROPHY, LIMB-GIRDLE, TYPE 2I; MUSCULAR DYSTROPHY-DYSTROGLYCANOPATHY, LIMB-GIRDLE, FRKP-RELATED; MUSCULAR DYSTROPHY-DYSTROGLYCANOPATHY (LIMB-GIRDLE), TYPE C, 5. Identifiers: Orphanet 34515, MedGen C1846672, MONDO:0011787, OMIM 607155.
Muscular dystrophy-dystroglycanopathy (congenital with brain and eye anomalies), type A5. Also called: WALKER-WARBURG SYNDROME OR MUSCLE-EYE-BRAIN DISEASE, FKRP-RELATED; MUSCULAR DYSTROPHY-DYSTROGLYCANOPATHY (CONGENITAL WITH BRAIN AND EYE ANOMALIES), TYPE A, 5. Identifiers: Orphanet 588, Orphanet 899, MedGen C3150413, MONDO:0013157, OMIM 613153.

Allele frequency attached by ClinVar (database versions not stated): ExAC 0.00005; ESP Exome Variant Server 0.00008; TOPMed 0.00008; gnomAD 0.00016.
gnomAD v4.1: 141 of 1,610,288 alleles (0.0088%); highest among the groups gnomAD compares: Non-Finnish European, 0.011%; no homozygotes.

Submissions (7):

Ambry Genetics
Classification: Uncertain significance for Cardiovascular phenotype. Last evaluated: 2024-10-08. Review status: criteria provided, single submitter. Criteria: Ambry Variant Classification Scheme 2023. Collection method: clinical testing. Allele origin: germline.
Comment: The p.R379Q variant (also known as c.1136G>A), located in coding exon 1 of the FKRP gene, results from a G to A substitution at nucleotide position 1136. The arginine at codon 379 is replaced by glutamine, an amino acid with highly similar properties. This amino acid position is conserved. In addition, the in silico prediction for this alteration is inconclusive. Since supporting evidence is limited at this time, the clinical significance of this alteration remains unclear.

GeneDx
Classification: Uncertain significance. Last evaluated: 2024-06-04. Review status: criteria provided, single submitter. Criteria: GeneDx Variant Classification Process June 2021. Collection method: clinical testing. Allele origin: germline. Affected: yes.
Comment: Not observed at significant frequency in large population cohorts (gnomAD); Missense variants in this gene are a common cause of disease and they are underrepresented in the general population; In silico analysis indicates that this missense variant does not alter protein structure/function; Has not been previously published as pathogenic or benign to our knowledge; This variant is associated with the following publications: (PMID: 27439679)

Labcorp Genetics (formerly Invitae), Labcorp
Classification: Uncertain significance for Walker-Warburg congenital muscular dystrophy. Last evaluated: 2022-10-13. Review status: criteria provided, single submitter. Criteria: Invitae Variant Classification Sherloc (09022015). Collection method: clinical testing. Allele origin: germline.
Comment: This sequence change replaces arginine, which is basic and polar, with glutamine, which is neutral and polar, at codon 379 of the FKRP protein (p.Arg379Gln). This variant is present in population databases (rs140217866, gnomAD 0.007%). This variant has not been reported in the literature in individuals affected with FKRP-related conditions. ClinVar contains an entry for this variant (Variation ID: 598298). Advanced modeling of protein sequence and biophysical properties (such as structural, functional, and spatial information, amino acid conservation, physicochemical variation, residue mobility, and thermodynamic stability) performed at Invitae indicates that this missense variant is not expected to disrupt FKRP protein function. In summary, the available evidence is currently insufficient to determine the role of this variant in disease. Therefore, it has been classified as a Variant of Uncertain Significance.

Fulgent Genetics
Classification: Uncertain significance for Muscular dystrophy-dystroglycanopathy (congenital with brain and eye anomalies), type A1; Muscular dystrophy-dystroglycanopathy type B5; Autosomal recessive limb-girdle muscular dystrophy type 2I; Muscular dystrophy-dystroglycanopathy (congenital with brain and eye anomalies), type A5. Last evaluated: 2021-11-22. Review status: criteria provided, single submitter. Criteria: ACMG Guidelines, 2015. Collection method: clinical testing. Allele origin: unknown.

Revvity Omics, Revvity
Classification: Uncertain significance. Last evaluated: 2019-03-06. Review status: criteria provided, single submitter. Criteria: ACMG Guidelines, 2015. Collection method: clinical testing. Allele origin: germline.

Eurofins Ntd Llc (ga)
Classification: Uncertain significance. Last evaluated: 2018-08-10. Review status: criteria provided, single submitter. Criteria: EGL ClinVar v180209 classification definitions. Collection method: clinical testing. Allele origin: germline. Observed: 1 variant allele, 1 heterozygote.

Natera, Inc.
Classification: Uncertain significance for Limb-girdle muscular dystrophy type 2I. Last evaluated: 2019-10-28. Review status: no assertion criteria provided. Collection method: clinical testing. Allele origin: germline. Not counted in ClinVar's aggregate classification.